The following is an entry in ClinVar:

ClinVar aggregate classification (germline): Uncertain significance (1 of 4 stars; one submission).

Conditions:
Developmental and epileptic encephalopathy, 1 (DEE1). Also called: X-linked infantile spasms; West's syndrome; Tonic spasms with clustering, arrest of psychomotor development and hypsarrhythmia on EEG; X-Linked Infantile Spasm Syndrome; Epileptic encephalopathy, early infantile, 1; OHTAHARA SYNDROME, X-LINKED. Identifiers: MedGen C3463992, MONDO:0010632, OMIM 308350. Disease mechanism: loss of function.
Autosomal recessive spinocerebellar ataxia 12. Also called: SPINOCEREBELLAR ATAXIA WITH MENTAL RETARDATION AND EPILEPSY. Identifiers: Orphanet 284282, MedGen C3280452, MONDO:0013687, OMIM 614322.

Allele frequency attached by ClinVar (database versions not stated): TOPMed below 0.00001; gnomAD 0.00001; gnomAD exomes 0.00001.
gnomAD v4.1: 10 of 1,559,142 alleles (0.00064%); highest among the groups gnomAD compares: Non-Finnish European, 0.00087%; no homozygotes.

Submission:

Labcorp Genetics (formerly Invitae), Labcorp
Classification: Uncertain significance for Developmental and epileptic encephalopathy, 1; Autosomal recessive spinocerebellar ataxia 12. Last evaluated: 2022-05-20. Review status: criteria provided, single submitter. Criteria: Invitae Variant Classification Sherloc (09022015). Collection method: clinical testing. Allele origin: germline.
Comment: This sequence change falls in intron 1 of the WWOX gene. It does not directly change the encoded amino acid sequence of the WWOX protein. It affects a nucleotide within the consensus splice site. This variant is not present in population databases (gnomAD no frequency). This variant has not been reported in the literature in individuals affected with WWOX-related conditions. ClinVar contains an entry for this variant (Variation ID: 1058576). Variants that disrupt the consensus splice site are a relatively common cause of aberrant splicing (PMID: 17576681, 9536098). Algorithms developed to predict the effect of sequence changes on RNA splicing suggest that this variant is not likely to affect RNA splicing. In summary, the available evidence is currently insufficient to determine the role of this variant in disease. Therefore, it has been classified as a Variant of Uncertain Significance.

Literature cited by the submitters: PubMed 17576681; PubMed 9536098.

NM_016373.4(WWOX):c.107+6G>A

Gene: WWOX (WW domain containing oxidoreductase; plus strand). Cytogenetic location: 16q23.1.
Variant type: single nucleotide variant.
Coding change: c.107+6G>A on transcript NM_016373.4 (MANE Select); 6 bases into the intron after coding-DNA position 107, G replaced by A.
Molecular consequence: intron variant. On other transcripts: non-coding transcript variant (2).
Genome position (GRCh38, 1-based): chr16:78,099,891, G>A. VCF-style: chr16-78099891-G-A. GRCh37 (hg19) VCF-style: chr16-78133788-G-A.
Other names: c.-168+6G>A (NM_001291997.2); c.107+6G>A (NM_130791.5).
Identifiers: ClinVar variation 1058576 (VCV001058576.4), dbSNP rs1276657647, ClinGen allele CA623601351.